The following is an entry in ClinVar:

NM_032043.3(BRIP1):c.2382T>C (p.Val794=)

Gene: BRIP1 (BRCA1 interacting DNA helicase 1; minus strand). Cytogenetic location: 17q23.2.
Variant type: single nucleotide variant.
Coding change: c.2382T>C on transcript NM_032043.3 (MANE Select); coding-DNA position 2382, T replaced by C.
Protein change: p.Val794=; no amino-acid change (valine 794 retained).
Molecular consequence: synonymous variant.
Genome position (GRCh38, 1-based): chr17:61,716,061, A>G on the plus strand (T>C on the coding strand, the complement: BRIP1 is on the minus strand). VCF-style: chr17-61716061-A-G. GRCh37 (hg19) VCF-style: chr17-59793422-A-G.
Identifiers: ClinVar variation 821175 (VCV000821175.5), dbSNP rs560088455, ClinGen allele CA501150562.

ClinVar aggregate classification (germline): Benign/Likely benign. Review status: criteria provided, multiple submitters, no conflicts (2 of 4 stars). 2 submissions from 2 submitters: Benign (1); Likely benign (1). Last evaluated 2024-09-04.

Conditions:
Familial cancer of breast. Also called: BREAST CANCER, FAMILIAL; Hereditary breast cancer; hereditary breast carcinoma. Identifiers: Orphanet 227535, MedGen C0346153, MONDO:0016419, OMIM 114480. Disease mechanism: loss of function.
Hereditary cancer-predisposing syndrome. Also called: Neoplastic Syndromes, Hereditary; Tumor predisposition; Hereditary Cancer Syndrome; Hereditary neoplastic syndrome. Identifiers: Orphanet 140162, MedGen C0027672, MeSH D009386, MONDO:0015356.

Submissions (2):

Myriad Genetics, Inc.
Classification: Benign for Familial cancer of breast. Last evaluated: 2024-09-04. Review status: criteria provided, single submitter. Criteria: Myriad Autosomal Dominant, Autosomal Recessive and X-Linked Classification Criteria (2023). Collection method: clinical testing. Allele origin: unknown.
Comment: This variant is considered benign. This variant is a silent/synonymous amino acid change and it is not expected to impact splicing.

Ambry Genetics
Classification: Likely benign for Hereditary cancer-predisposing syndrome. Last evaluated: 2018-09-06. Review status: criteria provided, single submitter. Criteria: Ambry Variant Classification Scheme 2023. Collection method: clinical testing. Allele origin: germline.